The following is an entry in ClinVar:

NM_001365951.3(KIF1B):c.2030A>G (p.Glu677Gly)

Gene: KIF1B (kinesin family member 1B; plus strand). Cytogenetic location: 1p36.22.
Variant type: single nucleotide variant.
Coding change: c.2030A>G on transcript NM_001365951.3 (MANE Select); coding-DNA position 2030, A replaced by G.
Protein change: p.Glu677Gly; replaces glutamic acid 677 with glycine.
Molecular consequence: missense variant.
Genome position (GRCh38, 1-based): chr1:10,297,065, A>G. VCF-style: chr1-10297065-A-G. GRCh37 (hg19) VCF-style: chr1-10357123-A-G.
Other names: c.2030A>G, p.Glu677Gly (NM_001365952.1); c.1892A>G, p.Glu631Gly (NM_001365953.1, NM_015074.3, NM_183416.4); short protein forms E631G, E677G.
Identifiers: ClinVar variation 1782090 (VCV001782090.2), dbSNP rs2521403136, ClinGen allele CA338317522.

ClinVar aggregate classification (germline): Uncertain significance (1 of 4 stars; one submission).

Submission:

Ambry Genetics
Classification: Uncertain significance. Last evaluated: 2022-10-28. Review status: criteria provided, single submitter. Criteria: Ambry Variant Classification Scheme 2023. Collection method: clinical testing. Allele origin: germline.
Comment: The p.E631G variant (also known as c.1892A>G), located in coding exon 18 of the KIF1B gene, results from an A to G substitution at nucleotide position 1892. The glutamic acid at codon 631 is replaced by glycine, an amino acid with similar properties. This amino acid position is conserved. In addition, this alteration is predicted to be deleterious by in silico analysis. Since supporting evidence is limited at this time, the clinical significance of this alteration remains unclear.